The following is an entry in ClinVar:

ClinVar aggregate classification (germline): Conflicting classifications of pathogenicity. Review status: criteria provided, conflicting classifications (1 of 4 stars). 3 submissions from 3 submitters: Uncertain significance (2); Likely benign (1). Last evaluated 2025-04-09.

Allele frequency attached by ClinVar (database versions not stated): ExAC 0.00001; gnomAD 0.00002; gnomAD exomes 0.00002; TOPMed 0.00003.
gnomAD v4.1: 29 of 1,613,940 alleles (0.0018%); highest among the groups gnomAD compares: African/African-American, 0.004%; no homozygotes.

Submissions (3):

Molecular Diagnostic Laboratory for Inherited Cardiovascular Disease, Montreal Heart Institute
Classification: Likely benign. Last evaluated: 2025-04-09. Review status: criteria provided, single submitter. Criteria: ACMG Guidelines, 2015. Collection method: clinical testing. Allele origin: germline. Affected: no.

GeneDx
Classification: Uncertain significance. Last evaluated: 2022-10-21. Review status: criteria provided, single submitter. Criteria: GeneDx Variant Classification Process June 2021. Collection method: clinical testing. Allele origin: germline. Affected: yes.
Comment: Observed in an individual with left ventricular noncompaction and hypertrophic cardiomyopathy, but additional clinical information and familial segregation information were not included (Mehaney et al., 2021); Located in the A-band region of TTN in which the majority of loss of function variants have been associated with autosomal dominant titinopathies (Herman et al., 2012); Not observed at significant frequency in large population cohorts (gnomAD); This variant is associated with the following publications: (PMID: 23975875, 34036930)

Revvity Omics, Revvity
Classification: Uncertain significance. Last evaluated: 2021-12-09. Review status: criteria provided, single submitter. Criteria: ACMG Guidelines, 2015. Collection method: clinical testing. Allele origin: germline.

NM_001267550.2(TTN):c.90238G>A (p.Ala30080Thr)

Genes: TTN (titin; minus strand), TTN-AS1 (TTN antisense RNA 1; plus strand). Cytogenetic location: 2q31.2.
Variant type: single nucleotide variant.
Coding change: c.90238G>A on transcript NM_001267550.2 (MANE Select); coding-DNA position 90238, G replaced by A.
Protein change: p.Ala30080Thr; replaces alanine 30080 with threonine.
Molecular consequence: missense variant.
Genome position (GRCh38, 1-based): chr2:178,552,662, C>T on the plus strand (G>A on the coding strand, the complement: TTN is on the minus strand). VCF-style: chr2-178552662-C-T. GRCh37 (hg19) VCF-style: chr2-179417389-C-T.
Other names: c.85315G>A, p.Ala28439Thr (NM_001256850.1); c.63043G>A, p.Ala21015Thr (NM_003319.4); c.82534G>A, p.Ala27512Thr (NM_133378.4); c.63418G>A, p.Ala21140Thr (NM_133432.3); c.63619G>A, p.Ala21207Thr (NM_133437.4); short protein forms A21015T, A21140T, A21207T, A27512T, A28439T, A30080T.
Identifiers: ClinVar variation 2437552 (VCV002437552.5), dbSNP rs753375022, ClinGen allele CA1987814.